The following is an entry in ClinVar:

ClinVar aggregate classification (germline): Conflicting classifications of pathogenicity. Review status: criteria provided, conflicting classifications (1 of 4 stars). 7 submissions from 7 submitters: Pathogenic (4); Likely pathogenic (1); Uncertain significance (1). 1 of the submissions does not count toward it. Last evaluated 2026-04-20.

Conditions:
Beta-thalassemia HBB/LCRB. Identifiers: MedGen CN322236, MONDO:0013517, OMIM 613985.
Hb SS disease (SCD). Also called: Sickle cell anemia; Sickle cell disease; HbS disease; Hemoglobin S Disease; Sickling disorder due to hemoglobin S; Hemoglobin SS. Identifiers: Orphanet 232, Orphanet 275752, MedGen C0002895, MONDO:0011382, OMIM 603903.
beta Thalassemia (BTHAL). Also called: Cooley's anemia; Erythroblastic anemia; Mediterranean anemia. Identifiers: Orphanet 848, MedGen C0005283, MONDO:0019402. Disease mechanism: loss of function.

Allele frequency attached by ClinVar (database versions not stated): gnomAD 0.00003; TOPMed 0.00007.
gnomAD v4.1: 10 of 1,613,938 alleles (0.00062%); highest among the groups gnomAD compares: African/African-American, 0.012%; no homozygotes.

Submissions (7):

Women's Health and Genetics/Laboratory Corporation of America, LabCorp
Classification: Pathogenic for beta Thalassemia. Last evaluated: 2026-04-20. Review status: criteria provided, single submitter. Criteria: LabCorp Variant Classification Summary - May 2015. Collection method: clinical testing. Allele origin: germline.
Comment: Variant summary: HBB c.316-7C>A alters a nucleotide located close to a canonical splice site and therefore could affect mRNA splicing, leading to a significantly altered protein sequence. Consensus agreement among computation tools predict no significant impact on normal splicing. However, these predictions have yet to be confirmed by functional studies. The variant allele was found at a frequency of 4e-06 in 251142 control chromosomes. The available data on variant occurrences in the general population are insufficient to allow any conclusion about variant significance. c.316-7C>A has been observed as a compound heterozygous genotype with the HbS variant in at-least one individual with features of Sickle liver disease (Cross_2007) and as a complex allele in cis with c.316-12T>C (legacy name IVS-II-839T>C) in individuals affected with mild Beta Thalassemia (Waye_2013, Belisario_2013). These data indicate that the variant is very likely to be associated with disease. To our knowledge, no experimental evidence demonstrating an impact on protein function has been reported. The following publications have been ascertained in the context of this evaluation (PMID: 26041423, 31589614, 17565724, 23651435). ClinVar contains an entry for this variant (Variation ID: 551906). Based on the evidence outlined above, the variant was classified as pathogenic.

Natera, Inc.
Classification: Pathogenic for Beta thalassemia. Last evaluated: 2026-01-23. Review status: criteria provided, single submitter. Criteria: Natera Variant Classification Schema (03/2026). Collection method: clinical testing. Allele origin: germline.
Comment: The c.316-7C>A variant in HBB is an intronic variant located outside the canonical splice sites. This variant is rare in the general population with a frequency below the threshold expected for the associated phenotype(s). This variant has been observed in one or more individuals affected with the associated recessive disease, as either homozygous or compound heterozygous with a second variant (PMID: 17565724, 23651435, 26041423). Additionally, this variant has been observed to segregate in affected family members (PMID: 23651435). Computational prediction algorithms indicate this variant is likely to affect gene or protein function. Given the available evidence, this variant is classified as Pathogenic.

Labcorp Genetics (formerly Invitae), Labcorp
Classification: Pathogenic. Last evaluated: 2025-12-21. Review status: criteria provided, single submitter. Criteria: Invitae Variant Classification Sherloc (09022015). Collection method: clinical testing. Allele origin: germline.
Comment: This sequence change falls in intron 2 of the HBB gene. It does not directly change the encoded amino acid sequence of the HBB protein. This variant is present in population databases (no rsID available, gnomAD 0.007%). This variant has been observed in individual(s) with HBB-related conditions (PMID: 17565724, 23651435, 26041423). In some individuals, it has been found in cis (on the same chromosome) with c.316-12T>C. In at least one individual the data is consistent with being in trans (on the opposite chromosome) from a pathogenic variant. This variant is also known as IVS2-844C>A. ClinVar contains an entry for this variant (Variation ID: 551906). Algorithms developed to predict the effect of sequence changes on RNA splicing suggest that this variant may disrupt the consensus splice site. For these reasons, this variant has been classified as Pathogenic.

Quest Diagnostics Nichols Institute San Juan Capistrano
Classification: Uncertain significance. Last evaluated: 2025-02-27. Review status: criteria provided, single submitter. Criteria: Quest Diagnostics criteria. Collection method: clinical testing. Allele origin: unknown.
Comment: The HBB c.316-7C>A variant, also known as IVS-II-844 (C>A) and IVS2-7C>A, has been reported in the published literature in an individual carrying Hb S with mild hemotological symptoms (PMID: 17565724 (2007)). It is commonly found as a complex allele with the HBB c.316-12T>C variant, which together are associated with beta(+)-thalassemia when occurring in trans with Hb S or Hb C (PMID: 26041423 (2015), 23651435 (2013)). The frequency of this variant in the general population (Genome Aggregation Database) is uninformative in the assessment of its pathogenicity. Analysis of this variant using software algorithms for the prediction of the effect of nucleotide changes on HBB mRNA splicing yielded inconclusive findings (Alamut Visual). Based on the available information, we are unable to determine the clinical significance of this variant.

ARUP Laboratories, Molecular Genetics and Genomics, ARUP Laboratories
Classification: Likely pathogenic. Last evaluated: 2018-09-27. Review status: criteria provided, single submitter. Criteria: ARUP Molecular Germline Variant Investigation Process. Collection method: clinical testing. Allele origin: germline.
Comment: The c.[316-12T>C; 316-7C>A] complex variant is reported in the literature in multiple individuals as a very mild beta + thalassemia trait (Belisario 2015, Waye 2013), and has been found in trans with Hb S and Hb C in patients with clinical symptoms (Cross 2007, Belisario 2015, Waye 2013). The c.316-12T>C variant (rs755236703) is only observed on three alleles in the Genome Aggregation Database. The c.316-7C>A variant (rs34483965) is only observed on one allele in the Genome Aggregation Database. These are intronic variants in weakly conserved nucleotides, and computational analyses (Alamut v.2.11) predict that each variant may impact splicing by weakening the nearby canonical acceptor splice site, however, without mRNA analysis it is unclear how the combination of the two variants impact splicing. Based on available information, the c.[316-12T>C; 316-7C>A] complex variant is considered to be likely pathogenic. References: Belisario A et al. Very mild forms of Hb S/beta(+)-thalassemia in Brazilian children. Rev Bras Hematol Hemoter. 2015 37(3):198-201. Cross T et al. Sickle liver disease--an unusual presentation in a compound heterozygote for HbS and a novel beta-thalassemia mutation. Am J Hematol. 2007 82(9):852-4. Waye J et al. Mild beta(+)-thalassemia associated with two linked sequence variants: IVS-II-839 (T>C) and IVS-II-844 (C>A). Hemoglobin. 2013 37(4):378-86.

Baylor Genetics
Classification: Pathogenic for Hb SS disease. Review status: criteria provided, single submitter. Criteria: ACMG Guidelines, 2015. Collection method: clinical testing. Allele origin: germline.

Counsyl
Classification: Likely pathogenic for Beta-thalassemia HBB/LCRB. Last evaluated: 2017-05-22. Review status: no assertion criteria provided. Collection method: clinical testing. Allele origin: unknown. Not counted in ClinVar's aggregate classification.

Literature cited by the submitters: PubMed 17565724 (cited by 5 submitters); PubMed 23651435 (cited by 5 submitters); PubMed 26041423 (cited by 5 submitters); PubMed 31589614 (cited by Women's Health and Genetics/Laboratory Corporation of America, LabCorp and Quest Diagnostics Nichols Institute San Juan Capistrano); PubMed 23637309 (cited by Quest Diagnostics Nichols Institute San Juan Capistrano).

NM_000518.5(HBB):c.316-7C>A

Genes: HBB (hemoglobin subunit beta; minus strand), LOC107133510 (origin of replication at HBB; plus strand), LOC110006319 (beta-globin gene 3' regulatory region; plus strand). Cytogenetic location: 11p15.4.
Variant type: single nucleotide variant.
Coding change: c.316-7C>A on transcript NM_000518.5 (MANE Select); 7 bases into the intron before coding-DNA position 316, C replaced by A.
Molecular consequence: intron variant.
Genome position (GRCh38, 1-based): chr11:5,225,733, G>T on the plus strand (C>A on the coding strand, the complement: HBB is on the minus strand). VCF-style: chr11-5225733-G-T. GRCh37 (hg19) VCF-style: chr11-5246963-G-T.
Other names: IVS-II-844.
Identifiers: ClinVar variation 551906 (VCV000551906.28), dbSNP rs34483965, ClinGen allele CA217112896.